The following is an entry in ClinVar:

ClinVar aggregate classification (germline): Pathogenic. Review status: reviewed by expert panel (3 of 4 stars). 18 submissions from 17 submitters: Pathogenic (1). 17 of the submissions do not count toward it. Last evaluated 2016-09-08.

Conditions:
BRCA2-related disorder. Also called: BRCA2-related condition; BRCA2-related disorders. Identifiers: MedGen CN239275.
Pancreatic cancer, susceptibility to, 2. Identifiers: Orphanet 1333, MedGen C3150546, MONDO:0013235, OMIM 613347.
Glioma susceptibility 3 (GLM3). Also called: Glioblastoma 3. Identifiers: Orphanet 182067, Orphanet 360, MedGen C2751641, MONDO:0013093, OMIM 613029.
Familial prostate cancer. Also called: Hereditary Prostate Cancer. Identifiers: MedGen C2931456, MONDO:0700275, OMIM 176807.
Breast-ovarian cancer, familial, susceptibility to, 2 (BROVCA2). Also called: BRCA2 Hereditary Breast and Ovarian Cancer. Identifiers: Orphanet 145, MedGen C2675520, MONDO:0012933, OMIM 612555. Disease mechanism: loss of function.
Fanconi anemia complementation group D1. Also called: BRCA2-Related Fanconi Anemia. Identifiers: Orphanet 319462, MedGen C1838457, MONDO:0011584, OMIM 605724.
Medulloblastoma (MDB). Also called: Medulloblastoma, somatic; MEDULLOBLASTOMA PREDISPOSITION SYNDROME. Identifiers: Orphanet 616, MedGen C0025149, MeSH D008527, MONDO:0007959, OMIM 155255, HP:0002885.
Wilms tumor 1 (WT1). Also called: Wilms tumor, somatic. Identifiers: Orphanet 654, MedGen CN033288, MONDO:0008679, OMIM 194070.
Familial cancer of breast. Also called: BREAST CANCER, FAMILIAL; hereditary breast carcinoma; Hereditary breast cancer. Identifiers: Orphanet 227535, MedGen C0346153, MONDO:0016419, OMIM 114480. Disease mechanism: loss of function.
Hereditary cancer-predisposing syndrome. Also called: Neoplastic Syndromes, Hereditary; Tumor predisposition; Hereditary Cancer Syndrome; Hereditary neoplastic syndrome. Identifiers: Orphanet 140162, MedGen C0027672, MeSH D009386, MONDO:0015356.
Hereditary breast ovarian cancer syndrome. Also called: Breast and ovarian cancer; Hereditary breast and ovarian cancer; Hereditary breast and ovarian cancer syndrome (HBOC); Hereditary breast and ovarian cancer syndrome; BRCA1- and BRCA2-Associated Hereditary Breast and Ovarian Cancer; Hereditary breast and/or ovarian cancer syndrome. Identifiers: Orphanet 145, MedGen C0677776, MeSH D061325, MONDO:0003582. Disease mechanism: loss of function.
Focal-onset seizure. Also called: Focal seizures. Identifiers: MedGen C0751495, HP:0007359.

Submissions 1 to 10 of 18:

Evidence-based Network for the Interpretation of Germline Mutant Alleles (ENIGMA)
Classification: Pathogenic for Breast-ovarian cancer, familial, susceptibility to, 2. Last evaluated: 2016-09-08. Review status: reviewed by expert panel. Criteria: ENIGMA BRCA1/2 Classification Criteria (2015). Collection method: curation. Allele origin: germline.
Comment: Variant allele predicted to encode a truncated non-functional protein.

Dasa
Classification: Pathogenic for Breast-ovarian cancer, familial, susceptibility to, 2. Last evaluated: 2026-04-22. Review status: criteria provided, single submitter. Criteria: DASA Assertion Criteria. Collection method: clinical testing. Allele origin: germline. Not counted in ClinVar's aggregate classification.
Comment: NM_000059.4(BRCA2):c.1138del (p.Ser380ValfsTer19) is a frameshift variant in BRCA2 predicted to alter the reading frame and introduce a premature termination codon and is predicted to result in an absent or altered protein product. Loss of function is an established disease mechanism for BRCA2 (PMID: 16199546; PMID: 17063271; PMID: 25632310). The affected residue or protein region has prior evidence supporting clinical relevance. This variant has been reported in individuals with Breast-ovarian cancer, familial, susceptibility to, 2. Also, this variant is rare in population databases. Based on the currently available evidence, this variant is classified as pathogenic.

Quest Diagnostics Nichols Institute San Juan Capistrano
Classification: Pathogenic. Last evaluated: 2025-09-30. Review status: criteria provided, single submitter. Criteria: Quest Diagnostics criteria. Collection method: clinical testing. Allele origin: unknown. Not counted in ClinVar's aggregate classification.
Comment: The BRCA2 c.1138del (p.Ser380Valfs*19) variant alters the translational reading frame of the BRCA2 mRNA and causes the premature termination of BRCA2 protein synthesis. This variant has been reported in the published literature in in individuals and families affected with breast and/or ovarian cancer (PMIDs: 35980532 (2022), 31446535 (2019), 29907814 (2018), 29161300 (2017), 27425403 (2016), 18779604 (2008)). This variant has not been reported in large, multi-ethnic general populations (Genome Aggregation Database). Based on the available information, this variant is classified as pathogenic.

Labcorp Genetics (formerly Invitae), Labcorp
Classification: Pathogenic for Hereditary breast ovarian cancer syndrome. Last evaluated: 2025-09-02. Review status: criteria provided, single submitter. Criteria: Invitae Variant Classification Sherloc (09022015). Collection method: clinical testing. Allele origin: germline. Not counted in ClinVar's aggregate classification.
Comment: This sequence change creates a premature translational stop signal (p.Ser380Valfs*19) in the BRCA2 gene. It is expected to result in an absent or disrupted protein product. Loss-of-function variants in BRCA2 are known to be pathogenic (PMID: 20104584). This variant is not present in population databases (gnomAD no frequency). This premature translational stop signal has been observed in individual(s) with personal and/or family history of breast and/or ovarian cancer (PMID: 18779604). ClinVar contains an entry for this variant (Variation ID: 51070). For these reasons, this variant has been classified as Pathogenic.

Ambry Genetics
Classification: Pathogenic for Hereditary cancer-predisposing syndrome. Last evaluated: 2024-09-24. Review status: criteria provided, single submitter. Criteria: Ambry Variant Classification Scheme 2023. Collection method: clinical testing. Allele origin: germline. Not counted in ClinVar's aggregate classification.
Comment: The c.1138delA pathogenic mutation, located in coding exon 9 of the BRCA2 gene, results from a deletion of one nucleotide at nucleotide position 1138, causing a translational frameshift with a predicted alternate stop codon (p.S380Vfs*19). This pathogenic mutation has been reported in multiple families with a history of breast and/or ovarian cancer (Kurian AW et al. J Clin Oncol, 2008 Oct;26:4752-8; Alemar B et al. Cancer Genet, 2016 09;209:417-422; Fernandes GC et al. Oncotarget, 2016 Dec;7:80465-80481; Afghahi A et al. Clin Cancer Res, 2017 07;23:3365-3370; Alemar B et al. PLoS One, 2017 Nov;12:e0187630; Rebbeck TR et al. Hum Mutat, 2018 05;39:593-620; Palmero EI et al. Sci Rep, 2018 06;8:9188; Cerretini R et al. Breast Cancer Res Treat, 2019 Dec;178:629-636; Nagy TR et al. Clinics (Sao Paulo) Jul 2021;76:e2837). Of note, this alteration is also designated as 1366delA in published literature. This variant is considered to be rare based on population cohorts in the Genome Aggregation Database (gnomAD). In addition to the clinical data presented in the literature, this alteration is expected to result in loss of function by premature protein truncation or nonsense-mediated mRNA decay. As such, this alteration is interpreted as a disease-causing mutation.

Baylor Genetics
Classification: Pathogenic for Familial cancer of breast. Last evaluated: 2023-10-09. Review status: criteria provided, single submitter. Criteria: ACMG Guidelines, 2015. Collection method: clinical testing. Allele origin: unknown. Not counted in ClinVar's aggregate classification.

Laboratorio de Genetica e Diagnostico Molecular, Hospital Israelita Albert Einstein
Classification: Pathogenic for Breast-ovarian cancer, familial, susceptibility to, 2. Last evaluated: 2022-11-25. Review status: criteria provided, single submitter. Criteria: ACMG Guidelines, 2015. Collection method: clinical testing. Allele origin: germline. Affected: yes. Observed: 1 variant allele. Not counted in ClinVar's aggregate classification.
Comment: ACMG classification criteria: PVS1 very strong, PS4 strong, PM2 supporting

Department of Pathology and Laboratory Medicine, Sinai Health System
Classification: Pathogenic for Familial cancer of breast; Medulloblastoma; Familial prostate cancer; Wilms tumor 1; Fanconi anemia complementation group D1; Breast-ovarian cancer, familial, susceptibility to, 2; Glioma susceptibility 3; Pancreatic cancer, susceptibility to, 2. Last evaluated: 2022-08-26. Review status: criteria provided, single submitter. Criteria: ACMG Guidelines, 2015. Collection method: clinical testing. Allele origin: germline. Affected: no. Not counted in ClinVar's aggregate classification.

Blueprint Genetics
Classification: Pathogenic for BRCA2-related disorders. Last evaluated: 2022-07-11. Review status: criteria provided, single submitter. Criteria: ACMG Guidelines, 2015. Collection method: clinical testing. Allele origin: germline. Affected: yes. Observed: 1 variant allele. Not counted in ClinVar's aggregate classification.

Color Diagnostics, LLC DBA Color Health
Classification: Pathogenic for Hereditary cancer-predisposing syndrome. Last evaluated: 2022-06-06. Review status: criteria provided, single submitter. Criteria: ACMG Guidelines, 2015. Collection method: clinical testing. Allele origin: germline. Not counted in ClinVar's aggregate classification.
Comment: This variant deletes 1 nucleotide in exon 10 of the BRCA2 gene, creating a frameshift and premature translation stop signal. This variant is also known as 1366delA by BIC nomenclature and c.1137delA. This variant is expected to result in an absent or non-functional protein product. This variant has been reported in individuals affected with breast and/or ovarian cancer (PMID: 18779604, 27425403, 27741520, 28087643, 29161300, 29907814, 31446535). This variant has not been identified in the general population by the Genome Aggregation Database (gnomAD). Loss of BRCA2 function is a known mechanism of disease. Based on the available evidence, this variant is classified as Pathogenic.

NM_000059.4(BRCA2):c.1138del (p.Ser380fs)

Gene: BRCA2 (BRCA2 DNA repair associated; plus strand). Cytogenetic location: 13q13.1.
Variant type: Deletion.
Coding change: c.1138del on transcript NM_000059.4 (MANE Select); coding-DNA position 1138, one base deleted (A; older notation c.1138delA).
Protein change: p.Ser380fs; shifts the reading frame from serine 380.
Molecular consequence: frameshift variant.
Genome position (GRCh38, 1-based): chr13:32,332,616, A deleted; the last of 2 consecutive A bases (chr13:32,332,615-32,332,616); deleting either gives the same sequence. VCF-style (leftmost placement, unchanged base first): chr13-32332614-GA-G. GRCh37 (hg19) VCF-style: chr13-32906751-GA-G.
Other names: 1366delA; c.1137delA (NM_000059.3, NM_000059.4).
Identifiers: ClinVar variation 51070 (VCV000051070.42), dbSNP rs80359264, ClinGen allele CA010912.